The following is an entry in ClinVar:

ClinVar aggregate classification (germline): Uncertain significance. Review status: criteria provided, multiple submitters, no conflicts (2 of 4 stars). 2 submissions from 2 submitters: Uncertain significance (2). Last evaluated 2023-02-23.

Conditions:
Hereditary cancer-predisposing syndrome. Also called: Tumor predisposition; Hereditary neoplastic syndrome; Neoplastic Syndromes, Hereditary; Hereditary Cancer Syndrome. Identifiers: Orphanet 140162, MedGen C0027672, MeSH D009386, MONDO:0015356.
Familial cancer of breast. Also called: hereditary breast carcinoma; BREAST CANCER, FAMILIAL; Hereditary breast cancer. Identifiers: Orphanet 227535, MedGen C0346153, MONDO:0016419, OMIM 114480. Disease mechanism: loss of function.

Allele frequency attached by ClinVar (database versions not stated): gnomAD exomes below 0.00001.
gnomAD v4.1: 1 of 1,596,438 alleles (0.000063%); highest among the groups gnomAD compares: South Asian, 0.0011%; no homozygotes.

Submissions (2):

Ambry Genetics
Classification: Uncertain significance for Hereditary cancer-predisposing syndrome. Last evaluated: 2023-02-23. Review status: criteria provided, single submitter. Criteria: Ambry Variant Classification Scheme 2023. Collection method: clinical testing. Allele origin: germline.
Comment: The p.T533I variant (also known as c.1598C>T), located in coding exon 14 of the CHEK2 gene, results from a C to T substitution at nucleotide position 1598. The threonine at codon 533 is replaced by isoleucine, an amino acid with similar properties. This amino acid position is conserved. In addition, this alteration is predicted to be tolerated by in silico analysis. Since supporting evidence is limited at this time, the clinical significance of this alteration remains unclear.

Labcorp Genetics (formerly Invitae), Labcorp
Classification: Uncertain significance for Familial cancer of breast. Last evaluated: 2022-08-22. Review status: criteria provided, single submitter. Criteria: Invitae Variant Classification Sherloc (09022015). Collection method: clinical testing. Allele origin: germline.
Comment: In summary, the available evidence is currently insufficient to determine the role of this variant in disease. Therefore, it has been classified as a Variant of Uncertain Significance. Algorithms developed to predict the effect of missense changes on protein structure and function are either unavailable or do not agree on the potential impact of this missense change (SIFT: "Deleterious"; PolyPhen-2: "Benign"; Align-GVGD: "Class C0"). This variant has not been reported in the literature in individuals affected with CHEK2-related conditions. This variant is not present in population databases (gnomAD no frequency). This sequence change replaces threonine, which is neutral and polar, with isoleucine, which is neutral and non-polar, at codon 533 of the CHEK2 protein (p.Thr533Ile).

NM_007194.4(CHEK2):c.1598C>T (p.Thr533Ile)

Gene: CHEK2 (checkpoint kinase 2; minus strand). Cytogenetic location: 22q12.1.
Variant type: single nucleotide variant.
Coding change: c.1598C>T on transcript NM_007194.4 (MANE Select); coding-DNA position 1598, C replaced by T.
Protein change: p.Thr533Ile; replaces threonine 533 with isoleucine.
Molecular consequence: missense variant.
Genome position (GRCh38, 1-based): chr22:28,687,931, G>A on the plus strand (C>T on the coding strand, the complement: CHEK2 is on the minus strand). VCF-style: chr22-28687931-G-A. GRCh37 (hg19) VCF-style: chr22-29083919-G-A.
Other names: c.1727C>T, p.Thr576Ile (NM_001005735.3); c.935C>T, p.Thr312Ile (NM_001257387.3); c.1397C>T, p.Thr466Ile (NM_001349956.3); c.1511C>T, p.Thr504Ile (NM_145862.3); short protein forms T312I, T466I, T504I, T533I, T576I.
Identifiers: ClinVar variation 1984594 (VCV001984594.6), dbSNP rs1569102119, ClinGen allele CA411091088.